The following is an entry in ClinVar:

ClinVar aggregate classification (germline): Uncertain significance (1 of 4 stars; one submission).

Conditions:
Au-Kline syndrome. Also called: Neurodevelopmental disorder-craniofacial dysmorphism-cardiac defect-hip dysplasia syndrome due to a point mutation; Okamoto syndrome. Identifiers: Orphanet 2729, Orphanet 453499, Orphanet 453504, MedGen C4225274, MONDO:0014700, OMIM 616580.

Submission:

Laboratorio de Genetica e Diagnostico Molecular, Hospital Israelita Albert Einstein
Classification: Uncertain significance for Au-Kline syndrome. Last evaluated: 2024-12-24. Review status: criteria provided, single submitter. Criteria: ACMG Guidelines, 2015. Collection method: clinical testing. Allele origin: germline. Affected: yes.
Comment: ACMG classification criteria: PM2 supporting, PP2 supporting

NM_031263.4(HNRNPK):c.479T>C (p.Ile160Thr)

Genes: HNRNPK (heterogeneous nuclear ribonucleoprotein K; minus strand), HNRNPK-AS1 (HNRNPK antisense RNA 1; plus strand). Cytogenetic location: 9q21.32.
Variant type: single nucleotide variant.
Coding change: c.479T>C on transcript NM_031263.4 (MANE Select); coding-DNA position 479, T replaced by C.
Protein change: p.Ile160Thr; replaces isoleucine 160 with threonine.
Molecular consequence: missense variant.
Genome position (GRCh38, 1-based): chr9:83,973,323, A>G on the plus strand (T>C on the coding strand, the complement: HNRNPK is on the minus strand). VCF-style: chr9-83973323-A-G. GRCh37 (hg19) VCF-style: chr9-86588238-A-G.
Other names: c.407T>C, p.Ile136Thr (NM_001318186.2, NM_001318187.2); c.479T>C, p.Ile160Thr (NM_001318188.2, NM_002140.5, NM_031262.4); short protein forms I136T, I160T.
Identifiers: ClinVar variation 4056763 (VCV004056763.1).